The following is an entry in ClinVar:

NM_021098.3(CACNA1H):c.5165T>G (p.Ile1722Ser)

Gene: CACNA1H (calcium voltage-gated channel subunit alpha1 H; plus strand). Cytogenetic location: 16p13.3.
Variant type: single nucleotide variant.
Coding change: c.5165T>G on transcript NM_021098.3 (MANE Select); coding-DNA position 5165, T replaced by G.
Protein change: p.Ile1722Ser; replaces isoleucine 1722 with serine.
Molecular consequence: missense variant.
Genome position (GRCh38, 1-based): chr16:1,215,367, T>G. VCF-style: chr16-1215367-T-G. GRCh37 (hg19) VCF-style: chr16-1265367-T-G.
Other names: c.5147T>G, p.Ile1716Ser (NM_001005407.2); short protein forms I1716S, I1722S.
Identifiers: ClinVar variation 3572423 (VCV003572423.1).

ClinVar aggregate classification (germline): Uncertain significance (1 of 4 stars; one submission).

Submission:

GeneDx
Classification: Uncertain significance. Last evaluated: 2024-07-11. Review status: criteria provided, single submitter. Criteria: GeneDx Variant Classification Process June 2021. Collection method: clinical testing. Allele origin: germline. Affected: yes.
Comment: Not observed at significant frequency in large population cohorts (gnomAD); In silico analysis supports that this missense variant has a deleterious effect on protein structure/function; Has not been previously published as pathogenic or benign to our knowledge